The following is an entry in ClinVar:

ClinVar aggregate classification (germline): Conflicting classifications of pathogenicity. Review status: criteria provided, conflicting classifications (1 of 4 stars). 11 submissions from 11 submitters: Uncertain significance (7); Likely benign (4). Last evaluated 2026-09-09.

Conditions:
TTN-related disorder. Also called: TTN-related condition; TTN-related disease; TTN-related disorders.
Cardiovascular phenotype. Identifiers: MedGen CN230736.
Autosomal recessive limb-girdle muscular dystrophy type 2J (LGMDR10). Also called: Limb-girdle muscular dystrophy, type 2J; MUSCULAR DYSTROPHY, LIMB-GIRDLE, AUTOSOMAL RECESSIVE 10. Identifiers: Orphanet 140922, MedGen C1837342, MONDO:0012127, OMIM 608807.
Dilated cardiomyopathy 1G (CMD1G). Identifiers: Orphanet 154, MedGen C1858763, MONDO:0011400, OMIM 604145.

Allele frequency attached by ClinVar (database versions not stated): gnomAD exomes 0.00003; gnomAD 0.00029 and 0.00031; ESP Exome Variant Server 0.00031; TOPMed 0.00031; 1000 Genomes Project 30x 0.00047; 1000 Genomes Project 0.00060.
gnomAD v4.1: 96 of 1,613,562 alleles (0.0059%); highest among the groups gnomAD compares: African/African-American, 0.092%; no homozygotes.

Submissions (11):

PreventionGenetics, part of Exact Sciences
Classification: Uncertain significance for TTN-related condition. Last evaluated: 2026-09-09. Review status: criteria provided, single submitter. Criteria: ACMG Guidelines, 2015. Collection method: clinical testing. Allele origin: germline.
Comment: The TTN c.9487C>T variant is predicted to result in the amino acid substitution p.Arg3163Cys. To our knowledge, this variant has not been reported in the literature. This variant is reported in 0.11% of alleles in individuals of African descent in gnomAD. Although we suspect that this variant may be benign, at this time, the clinical significance of this variant is uncertain due to the absence of conclusive functional and genetic evidence.

Labcorp Genetics (formerly Invitae), Labcorp
Classification: Likely benign for Dilated cardiomyopathy 1G; Autosomal recessive limb-girdle muscular dystrophy type 2J. Last evaluated: 2026-01-20. Review status: criteria provided, single submitter. Criteria: Invitae Variant Classification Sherloc (09022015). Collection method: clinical testing. Allele origin: germline.

Mayo Clinic Laboratories, Mayo Clinic
Classification: Uncertain significance. Last evaluated: 2025-10-03. Review status: criteria provided, single submitter. Criteria: ACMG Guidelines, 2015. Collection method: clinical testing. Allele origin: germline. Observed: 3 variant alleles.

Women's Health and Genetics/Laboratory Corporation of America, LabCorp
Classification: Uncertain significance. Last evaluated: 2025-04-29. Review status: criteria provided, single submitter. Criteria: LabCorp Variant Classification Summary - May 2015. Collection method: clinical testing. Allele origin: germline.

ARUP Laboratories, Molecular Genetics and Genomics, ARUP Laboratories
Classification: Uncertain significance. Last evaluated: 2023-03-28. Review status: criteria provided, single submitter. Criteria: ARUP Molecular Germline Variant Investigation Process 2024. Collection method: clinical testing. Allele origin: germline.
Comment: The TTN c.9487C>T; p.Arg3163Cys variant (rs140664731; ClinVar Variation ID: 47651) is rare in the general population (<0.2% allele frequency in the Genome Aggregation Database) and has not been reported in the medical literature in association with dilated cardiomyopathy (DCM) or other TTN-related disease. The clinical relevance of rare missense variants in this gene, which are identified on average once per individual sequenced in affected populations (Herman 2012), is not well understood. Yet, evidence suggests that the vast majority of such missense variants do not contribute to the clinical outcome of DCM (Begay 2015). Thus, the clinical significance of the p.Arg3163Cys variant cannot be determined with certainty. References: Begay RL et al. Role of Titin Missense Variants in Dilated Cardiomyopathy. J Am Heart Assoc. 2015 Nov 13;4(11). PMID: 26567375. Herman DS et al. Truncations of titin causing dilated cardiomyopathy. N Engl J Med. 2012 Feb 16;366(7):619-28. PMID: 22335739. Linke WA and Hamdani N. Gigantic business: titin properties and function through thick and thin. Circ Res 2014; 114(6): 1052-1068. PMID: 24625729.

Revvity Omics, Revvity
Classification: Uncertain significance. Last evaluated: 2022-09-15. Review status: criteria provided, single submitter. Criteria: ACMG Guidelines, 2015. Collection method: clinical testing. Allele origin: germline.

GeneDx
Classification: Likely benign. Last evaluated: 2020-06-09. Review status: criteria provided, single submitter. Criteria: GeneDx Variant Classification Process June 2021. Collection method: clinical testing. Allele origin: germline. Affected: yes.

Athena Diagnostics
Classification: Likely benign. Last evaluated: 2020-02-19. Review status: criteria provided, single submitter. Criteria: Athena Diagnostics Criteria. Collection method: clinical testing. Allele origin: unknown.

Ambry Genetics
Classification: Likely benign for Cardiovascular phenotype. Last evaluated: 2019-02-08. Review status: criteria provided, single submitter. Criteria: Ambry Variant Classification Scheme 2023. Collection method: clinical testing. Allele origin: germline.

Stanford Center for Inherited Cardiovascular Disease, Stanford University
Classification: Uncertain significance. Last evaluated: 2017-09-05. Review status: criteria provided, single submitter. Criteria: ACMG Guidelines, 2015. Collection method: provider interpretation. Allele origin: germline.

Laboratory for Molecular Medicine, Mass General Brigham Personalized Medicine
Classification: Uncertain significance. Last evaluated: 2017-08-10. Review status: criteria provided, single submitter. Criteria: LMM Criteria. Collection method: clinical testing. Allele origin: germline. Observed: 3 variant alleles.
Comment: Variant classified as Uncertain Significance - Favor Benign. The p.Arg3163Cys va riant in TTN has been identified by our laboratory in 2 adults with concentric L VH and atrial fibrillation. This variant has also been identified in 0.1% (23/24 028) of African chromosomes by the Genome Aggregation Database (gnomAD; dbSNP rs140664731). Computational prediction tools and conservation analysis suggest that this variant may impact the protein, though this information is not predictive enough to determine pathogenicity. In summary , while the clinical significance of the p.Arg3163Cys variant is uncertain, its frequency suggests that it is more likely to be benign.

NM_001267550.2(TTN):c.9487C>T (p.Arg3163Cys)

Gene: TTN (titin; minus strand). Cytogenetic location: 2q31.2.
Variant type: single nucleotide variant.
Coding change: c.9487C>T on transcript NM_001267550.2 (MANE Select); coding-DNA position 9487, C replaced by T.
Protein change: p.Arg3163Cys; replaces arginine 3163 with cysteine.
Molecular consequence: missense variant.
Genome position (GRCh38, 1-based): chr2:178,766,597, G>A on the plus strand (C>T on the coding strand, the complement: TTN is on the minus strand). VCF-style: chr2-178766597-G-A. GRCh37 (hg19) VCF-style: chr2-179631324-G-A.
Other names: p.R3163C:CGT>TGT; c.9487C>T, p.Arg3163Cys (NM_001256850.1, NM_133378.4, NM_133379.5); c.9349C>T, p.Arg3117Cys (NM_003319.4, NM_133432.3, NM_133437.4); short protein forms R3163C, R3117C.
Identifiers: ClinVar variation 47651 (VCV000047651.30), dbSNP rs140664731, ClinGen allele CA141602.